The following is an entry in ClinVar:

NM_012254.3(SLC27A5):c.328C>T (p.Arg110Trp)

Gene: SLC27A5 (solute carrier family 27 member 5; minus strand). Cytogenetic location: 19q13.43.
Variant type: single nucleotide variant.
Coding change: c.328C>T on transcript NM_012254.3 (MANE Select); coding-DNA position 328, C replaced by T.
Protein change: p.Arg110Trp; replaces arginine 110 with tryptophan.
Molecular consequence: missense variant.
Genome position (GRCh38, 1-based): chr19:58,511,628, G>A on the plus strand (C>T on the coding strand, the complement: SLC27A5 is on the minus strand). VCF-style: chr19-58511628-G-A. GRCh37 (hg19) VCF-style: chr19-59022995-G-A.
Other names: c.328C>T, p.Arg110Trp (NM_001321196.2); short protein forms R110W.
Identifiers: ClinVar variation 2382133 (VCV002382133.5), dbSNP rs146664185, ClinGen allele CA9718306.
Genomic context (GRCh38, chr19:58,511,628, plus strand): 5'-TGCCAGGCTGCGCTCGTGCTCGCCGCTCGAAGGCATCTACAAAGGTGTCAGGCGGCTGCC[G>A]GCTCAAGCATCCCCTGATCTTCAGGCCCAGGTGGAGGATCTTGGCCAAGAAGATCACATC-3'
Protein context (NP_036386.1, residues 100-120): LGLKIRGCLS[Arg110Trp]QPPDTFVDAF

ClinVar aggregate classification (germline): Uncertain significance. Review status: criteria provided, multiple submitters, no conflicts (2 of 4 stars). 3 submissions from 3 submitters: Uncertain significance (3). Last evaluated 2026-01-09.

Conditions:
SLC27A5-related disorder. Also called: SLC27A5-related condition.

Allele frequency attached by ClinVar (database versions not stated): gnomAD exomes 0.00003; gnomAD 0.00005; TOPMed 0.00006; ExAC 0.00015; ESP Exome Variant Server 0.00015; 1000 Genomes Project 30x 0.00016; 1000 Genomes Project 0.00020.

Submissions (3):

PreventionGenetics, part of Exact Sciences
Classification: Uncertain significance for SLC27A5-related condition. Last evaluated: 2026-01-09. Review status: criteria provided, single submitter. Criteria: ACMG Guidelines, 2015. Collection method: clinical testing. Allele origin: germline.
Comment: The SLC27A5 c.328C>T variant is predicted to result in the amino acid substitution p.Arg110Trp. To our knowledge, this variant has not been reported in the literature. This variant is reported in 0.037% of alleles in individuals of East Asian descent in gnomAD. At this time, the clinical significance of this variant is uncertain due to the absence of conclusive functional and genetic evidence.

Labcorp Genetics (formerly Invitae), Labcorp
Classification: Uncertain significance. Last evaluated: 2025-05-13. Review status: criteria provided, single submitter. Criteria: Invitae Variant Classification Sherloc (09022015). Collection method: clinical testing. Allele origin: germline.
Comment: This sequence change replaces arginine, which is basic and polar, with tryptophan, which is neutral and slightly polar, at codon 110 of the SLC27A5 protein (p.Arg110Trp). This variant is present in population databases (rs146664185, gnomAD 0.04%). This variant has not been reported in the literature in individuals affected with SLC27A5-related conditions. ClinVar contains an entry for this variant (Variation ID: 2382133). An algorithm developed to predict the effect of missense changes on protein structure and function (PolyPhen-2) suggests that this variant is likely to be disruptive. In summary, the available evidence is currently insufficient to determine the role of this variant in disease. Therefore, it has been classified as a Variant of Uncertain Significance.

Ambry Genetics
Classification: Uncertain significance. Last evaluated: 2025-02-12. Review status: criteria provided, single submitter. Criteria: Ambry Variant Classification Scheme 2023. Collection method: clinical testing. Allele origin: germline.